The following is an entry in ClinVar:

ClinVar aggregate classification (germline): Uncertain significance (1 of 4 stars; one submission).

Submission:

GeneDx
Classification: Uncertain significance. Last evaluated: 2024-07-18. Review status: criteria provided, single submitter. Criteria: GeneDx Variant Classification Process June 2021. Collection method: clinical testing. Allele origin: germline. Affected: yes.
Comment: Not observed at significant frequency in large population cohorts (gnomAD); In silico analysis indicates that this missense variant does not alter protein structure/function; Has not been previously published as pathogenic or benign to our knowledge

NM_015335.5(MED13L):c.4585T>C (p.Tyr1529His)

Gene: MED13L (mediator complex subunit 13L; minus strand). Cytogenetic location: 12q24.21.
Variant type: single nucleotide variant.
Coding change: c.4585T>C on transcript NM_015335.5 (MANE Select); coding-DNA position 4585, T replaced by C.
Protein change: p.Tyr1529His; replaces tyrosine 1529 with histidine.
Molecular consequence: missense variant.
Genome position (GRCh38, 1-based): chr12:115,983,487, A>G on the plus strand (T>C on the coding strand, the complement: MED13L is on the minus strand). VCF-style: chr12-115983487-A-G. GRCh37 (hg19) VCF-style: chr12-116421292-A-G.
Other names: short protein forms Y1529H.
Identifiers: ClinVar variation 3603024 (VCV003603024.1).